The following is an entry in ClinVar:

NM_031296.3(RAB33B):c.677C>T (p.Thr226Met)

Gene: RAB33B (RAB33B, member RAS oncogene family; plus strand). Cytogenetic location: 4q31.1.
Variant type: single nucleotide variant.
Coding change: c.677C>T on transcript NM_031296.3 (MANE Select); coding-DNA position 677, C replaced by T.
Protein change: p.Thr226Met; replaces threonine 226 with methionine.
Molecular consequence: missense variant.
Genome position (GRCh38, 1-based): chr4:139,473,113, C>T. VCF-style: chr4-139473113-C-T. GRCh37 (hg19) VCF-style: chr4-140394267-C-T.
Other names: short protein forms T226M.
Identifiers: ClinVar variation 347568 (VCV000347568.12), dbSNP rs139823051, ClinGen allele CA3084046.
Genomic context (GRCh38, chr4:139,473,113, plus strand): 5'-TGCTTAGTCAGCCCCCTGATAATGGAATTATCCTGAAGCCTGAACCAAAGCCTGCAATGA[C>T]GTGCTGGTGCTAAATAACAGTCTTTATTATATTATCTAATTTTGACTAAAGAAATACTTT-3'
Protein context (NP_112586.1, residues 216-229): ILKPEPKPAM[Thr226Met]CWC

ClinVar aggregate classification (germline): Likely benign. Review status: criteria provided, multiple submitters, no conflicts (2 of 4 stars). 2 submissions from 2 submitters: Likely benign (2). Last evaluated 2025-12-18.

Conditions:
Smith-McCort dysplasia 2 (SMC2). Identifiers: MedGen C3714896, MONDO:0014087, OMIM 615222.

Allele frequency attached by ClinVar (database versions not stated): gnomAD exomes 0.00008 and 0.00024; ExAC 0.00031; gnomAD 0.00089 and 0.00099; TOPMed 0.00107; ESP Exome Variant Server 0.00116; 1000 Genomes Project 0.00160; 1000 Genomes Project 30x 0.00172.

Submissions (2):

Labcorp Genetics (formerly Invitae), Labcorp
Classification: Likely benign. Last evaluated: 2025-12-18. Review status: criteria provided, single submitter. Criteria: Invitae Variant Classification Sherloc (09022015). Collection method: clinical testing. Allele origin: germline.

Illumina Laboratory Services, Illumina
Classification: Likely benign for Smith-McCort dysplasia 2. Last evaluated: 2018-01-13. Review status: criteria provided, single submitter. Criteria: ICSL Variant Classification Criteria 13 December 2019. Collection method: clinical testing. Allele origin: germline.
Comment: This variant was observed in the ICSL laboratory as part of a predisposition screen in an ostensibly healthy population. It had not been previously curated by ICSL or reported in the Human Gene Mutation Database (HGMD: prior to June 1st, 2018), and was therefore a candidate for classification through an automated scoring system. Utilizing variant allele frequency, disease prevalence and penetrance estimates, and inheritance mode, an automated score was calculated to assess if this variant is too frequent to cause the disease. Based on the score and internal cut-off values, a variant classified as likely benign is not then subjected to further curation. The score for this variant resulted in a classification of likely benign for this disease.